The following is an entry in ClinVar:

NM_002755.4(MAP2K1):c.291+14_291+20delinsTCTCACCAATCACCA

Gene: MAP2K1 (mitogen-activated protein kinase kinase 1; plus strand). Cytogenetic location: 15q22.31.
Variant type: Indel.
Coding change: c.291+14_291+20delinsTCTCACCAATCACCA on transcript NM_002755.4 (MANE Select); bases 14 to 20 of the intron after coding-DNA position 291, GATTAAC replaced by TCTCACCAATCACCA.
Molecular consequence: intron variant.
Genome position (GRCh38, 1-based): chr15:66,435,251-66,435,257, GATTAAC replaced by TCTCACCAATCACCA. VCF-style: chr15-66435251-GATTAAC-TCTCACCAATCACCA. GRCh37 (hg19) VCF-style: chr15-66727589-GATTAAC-TCTCACCAATCACCA.
Other names: c.291+14_291+20delGATTAACinsTCTCACCAATCACCA (NM_002755.3).
Identifiers: ClinVar variation 421851 (VCV000421851.10), dbSNP rs1064795401, ClinGen allele CA16619989.
Genomic context (GRCh38, chr15:66,435,251, plus strand): 5'-TGTTCAAGGTCTCCCACAAGCCTTCTGGCCTGGTCATGGCCAGAAAGGTGAGTTTGCCTT[GATTAAC>TCTCACCAATCACCA]AGGTAATTGGATTATTTCTCAGGGTACTTAGAAGCCTGGGGACCAGGGTAGAAGGAAGAC-3'

ClinVar aggregate classification (germline): Likely benign. Review status: criteria provided, multiple submitters, no conflicts (2 of 4 stars). 4 submissions from 4 submitters: Likely benign (4). Last evaluated 2025-01-12.

Conditions:
Noonan syndrome 1 (NS1). Also called: FEMALE PSEUDO-TURNER SYNDROME; PTPN11-Related Noonan Syndrome; TURNER PHENOTYPE WITH NORMAL KARYOTYPE. Identifiers: Orphanet 648, MedGen C4551602, MONDO:0008104, OMIM 163950. Disease mechanism: gain of function.
Cardiofaciocutaneous syndrome 3 (CFC3). Also called: MAP2K1-Related Cardiofaciocutaneous Syndrome. Identifiers: Orphanet 1340, MedGen C3809006, MONDO:0014113, OMIM 615279.
Melorheostosis (MEL). Also called: MELORHEOSTOSIS, ISOLATED. Identifiers: Orphanet 2485, MedGen C3149631, MONDO:0007970, OMIM 155950, HP:6000817.
RASopathy. Also called: rasopathies; Noonan spectrum disorder. Identifiers: Orphanet 536391, MedGen C5555857, MONDO:0021060.

Submissions (4):

Labcorp Genetics (formerly Invitae), Labcorp
Classification: Likely benign for RASopathy. Last evaluated: 2025-01-12. Review status: criteria provided, single submitter. Criteria: Invitae Variant Classification Sherloc (09022015). Collection method: clinical testing. Allele origin: germline.

Women's Health and Genetics/Laboratory Corporation of America, LabCorp
Classification: Likely benign. Last evaluated: 2023-12-13. Review status: criteria provided, single submitter. Criteria: LabCorp Variant Classification Summary - May 2015. Collection method: clinical testing. Allele origin: germline.
Comment: Variant summary: MAP2K1 c.291+14_291+20delins15 alters a nucleotide located at a position not widely known to affect splicing. Consensus agreement among computation tools predict no significant impact on normal splicing. However, these predictions have yet to be confirmed by functional studies. The variant was absent in 1608680 control chromosomes. The available data on variant occurrences in the general population are insufficient to allow any conclusion about variant significance. To our knowledge, no occurrence of c.291+14_291+20delins15 in individuals affected with Cardiofaciocutaneous Syndrome and no experimental evidence demonstrating its impact on protein function have been reported. Three submitters have cited clinical-significance assessments for this variant to ClinVar after 2014. All submitters classified the variant as likely benign. Based on the evidence outlined above, the variant was classified as likely benign.

Fulgent Genetics
Classification: Likely benign for Melorheostosis; Noonan syndrome 1; Cardiofaciocutaneous syndrome 3. Last evaluated: 2022-03-30. Review status: criteria provided, single submitter. Criteria: ACMG Guidelines, 2015. Collection method: clinical testing. Allele origin: unknown.

GeneDx
Classification: Likely benign. Last evaluated: 2018-02-02. Review status: criteria provided, single submitter. Criteria: GeneDx Variant Classification (06012015). Collection method: clinical testing. Allele origin: germline. Affected: yes.
Comment: This variant is considered likely benign or benign based on one or more of the following criteria: it is a conservative change, it occurs at a poorly conserved position in the protein, it is predicted to be benign by multiple in silico algorithms, and/or has population frequency not consistent with disease.